The following is an entry in ClinVar:

ClinVar aggregate classification (germline): Uncertain significance (1 of 4 stars; one submission).

Submission:

Labcorp Genetics (formerly Invitae), Labcorp
Classification: Uncertain significance. Last evaluated: 2022-12-16. Review status: criteria provided, single submitter. Criteria: Invitae Variant Classification Sherloc (09022015). Collection method: clinical testing. Allele origin: germline.
Comment: In summary, the available evidence is currently insufficient to determine the role of this variant in disease. Therefore, it has been classified as a Variant of Uncertain Significance. This variant has not been reported in the literature in individuals affected with TNNI3K-related conditions. This variant is not present in population databases (gnomAD no frequency). This variant, c.195_196insTTT, results in the insertion of 1 amino acid(s) of the TNNI3K protein (p.Glu65_Asn66insPhe), but otherwise preserves the integrity of the reading frame.

NM_015978.3(TNNI3K):c.195_196insTTT (p.Glu65_Asn66insPhe)

Genes: FPGT-TNNI3K (FPGT-TNNI3K readthrough; plus strand), TNNI3K (TNNI3 interacting kinase; plus strand). Cytogenetic location: 1p31.1.
Variant type: Insertion.
Coding change: c.195_196insTTT on transcript NM_015978.3 (MANE Select); coding-DNA positions 195 to 196, TTT inserted.
Protein change: p.Glu65_Asn66insPhe.
Molecular consequence: inframe insertion.
Genome position: GRCh38 VCF-style: chr1-74249504-A-ATTT. GRCh37 (hg19) VCF-style: chr1-74715188-A-ATTT.
Other names: c.498_499insTTT, p.Glu166_Asn167insPhe (NM_001112808.3, NM_001199327.2).
Identifiers: ClinVar variation 2810025 (VCV002810025.3), dbSNP rs2524364197, ClinGen allele CA2739272622.